The following is an entry in ClinVar:

ClinVar aggregate classification (germline): Uncertain significance. Review status: criteria provided, multiple submitters, no conflicts (2 of 4 stars). 4 submissions from 4 submitters: Uncertain significance (4). Last evaluated 2026-01-15.

Conditions:
Alpha-N-acetylgalactosaminidase deficiency type 1. Also called: SCHINDLER DISEASE, TYPE I; ALPHA-N-ACETYLGALACTOSAMINIDASE DEFICIENCY, TYPE I; NAGA DEFICIENCY, TYPE I; NEUROAXONAL DYSTROPHY, SCHINDLER TYPE. Identifiers: Orphanet 3137, Orphanet 79279, Orphanet 79281, MedGen C1836544, MONDO:0012221, OMIM 609241.

Allele frequency attached by ClinVar (database versions not stated): ESP Exome Variant Server 0.00015; ExAC 0.00005; gnomAD 0.00005 and 0.00006; gnomAD exomes 0.00005 and 0.00010; TOPMed 0.00008.
gnomAD v4.1: 83 of 1,614,028 alleles (0.0051%); highest among the groups gnomAD compares: Middle Eastern, 0.033%; no homozygotes.

Submissions (4):

GeneDx
Classification: Uncertain significance. Last evaluated: 2026-01-15. Review status: criteria provided, single submitter. Criteria: GeneDx Variant Classification Process June 2021. Collection method: clinical testing. Allele origin: germline. Affected: yes.
Comment: Observed in apparent homozygous state in a patient with Schindler disease in the literature; patient was also reported to have an apparently homozygous pathogenic NAGA variant (Ortiz et al. A case of Schindler disease in the setting of familial cardiomyopathy [Abstract 286]. Presented at 14th Annual WORLDSymposium. February 5-9, 2018); In silico analysis supports that this missense variant has a deleterious effect on protein structure/function; This variant is associated with the following publications: (PMID: 40083435, 38560291)

Blueprint Genetics
Classification: Uncertain significance. Last evaluated: 2024-09-20. Review status: criteria provided, single submitter. Criteria: ACMG Guidelines, 2015. Collection method: clinical testing. Allele origin: germline.

Labcorp Genetics (formerly Invitae), Labcorp
Classification: Uncertain significance for Alpha-N-acetylgalactosaminidase deficiency type 1. Last evaluated: 2022-10-17. Review status: criteria provided, single submitter. Criteria: Invitae Variant Classification Sherloc (09022015). Collection method: clinical testing. Allele origin: germline.
Comment: This sequence change replaces arginine, which is basic and polar, with cysteine, which is neutral and slightly polar, at codon 35 of the NAGA protein (p.Arg35Cys). This variant is present in population databases (rs376933189, gnomAD 0.04%). This variant has not been reported in the literature in individuals affected with NAGA-related conditions. ClinVar contains an entry for this variant (Variation ID: 429497). Advanced modeling of protein sequence and biophysical properties (such as structural, functional, and spatial information, amino acid conservation, physicochemical variation, residue mobility, and thermodynamic stability) has been performed at Invitae for this missense variant, however the output from this modeling did not meet the statistical confidence thresholds required to predict the impact of this variant on NAGA protein function. In summary, the available evidence is currently insufficient to determine the role of this variant in disease. Therefore, it has been classified as a Variant of Uncertain Significance.

Revvity Omics, Revvity
Classification: Uncertain significance. Last evaluated: 2020-03-30. Review status: criteria provided, single submitter. Criteria: ACMG Guidelines, 2015. Collection method: clinical testing. Allele origin: germline.

NM_000262.3(NAGA):c.103C>T (p.Arg35Cys)

Genes: NAGA (alpha-N-acetylgalactosaminidase; minus strand), LOC126863160 (CDK7 strongly-dependent group 2 enhancer GRCh37_chr22:42462918-42464117; plus strand). Cytogenetic location: 22q13.2.
Variant type: single nucleotide variant.
Coding change: c.103C>T on transcript NM_000262.3 (MANE Select); coding-DNA position 103, C replaced by T.
Protein change: p.Arg35Cys; replaces arginine 35 with cysteine.
Molecular consequence: missense variant.
Genome position (GRCh38, 1-based): chr22:42,068,488, G>A on the plus strand (C>T on the coding strand, the complement: NAGA is on the minus strand). VCF-style: chr22-42068488-G-A. GRCh37 (hg19) VCF-style: chr22-42464492-G-A.
Other names: c.103C>T, p.Arg35Cys (NM_001362850.1, NM_001362848.1); short protein forms R35C.
Identifiers: ClinVar variation 429497 (VCV000429497.11), dbSNP rs376933189, ClinGen allele CA10263939.